The following is an entry in ClinVar:

ClinVar aggregate classification (germline): Pathogenic (1 of 4 stars; one submission).

Submission:

Ambry Genetics
Classification: Pathogenic. Last evaluated: 2026-05-29. Review status: criteria provided, single submitter. Criteria: Ambry Variant Classification Scheme 2023. Collection method: clinical testing. Allele origin: germline.
Comment: The c.451delC pathogenic mutation, located in coding exon 1 of the MLH3 gene, results from a deletion of one nucleotide at nucleotide position 451, causing a translational frameshift with a predicted alternate stop codon (p.L151Yfs*7). This variant is considered to be rare based on population cohorts in the Genome Aggregation Database (gnomAD). This alteration is expected to result in loss of function by premature protein truncation or nonsense-mediated mRNA decay. As such, this alteration is interpreted as a disease-causing mutation.

NM_001040108.2(MLH3):c.451del (p.Leu151fs)

Gene: MLH3 (mutL homolog 3; minus strand). Cytogenetic location: 14q24.3.
Variant type: Deletion.
Coding change: c.451del on transcript NM_001040108.2 (MANE Select); coding-DNA position 451, one base deleted (C; older notation c.451delC).
Protein change: p.Leu151fs; shifts the reading frame from leucine 151.
Molecular consequence: frameshift variant.
Genome position (GRCh38, 1-based): chr14:75,049,205, G deleted on the plus strand (C on the coding strand, the reverse complement: MLH3 is on the minus strand); the first of 2 consecutive G bases (chr14:75,049,205-75,049,206); deleting either gives the same sequence. VCF-style (leftmost placement, unchanged base first): chr14-75049204-AG-A. GRCh37 (hg19) VCF-style: chr14-75515907-AG-A.
Other names: c.451del, p.Leu151fs (NM_014381.3); c.451delC (NM_001040108.1); short protein forms L151fs.
Identifiers: ClinVar variation 1741194 (VCV001741194.3), dbSNP rs2503327566, ClinGen allele CA2580088933.